The following is an entry in ClinVar:

NM_021927.3(GUF1):c.1604G>T (p.Gly535Val)

Gene: GUF1 (GTP binding elongation factor GUF1; plus strand). Cytogenetic location: 4p12.
Variant type: single nucleotide variant.
Coding change: c.1604G>T on transcript NM_021927.3 (MANE Select); coding-DNA position 1604, G replaced by T.
Protein change: p.Gly535Val; replaces glycine 535 with valine.
Molecular consequence: missense variant.
Genome position (GRCh38, 1-based): chr4:44,691,790, G>T. VCF-style: chr4-44691790-G-T. GRCh37 (hg19) VCF-style: chr4-44693807-G-T.
Other names: c.632G>T, p.Gly211Val (NM_001345867.2, NM_001345869.2); c.1604G>T, p.Gly535Val (NM_001345868.2); short protein forms G535V, G211V.
Identifiers: ClinVar variation 2605599 (VCV002605599.5), dbSNP rs745858987, ClinGen allele CA2905689.

ClinVar aggregate classification (germline): Uncertain significance. Review status: criteria provided, multiple submitters, no conflicts (2 of 4 stars). 2 submissions from 2 submitters: Uncertain significance (2). Last evaluated 2023-06-22.

Allele frequency attached by ClinVar (database versions not stated): ExAC 0.00001; gnomAD exomes 0.00001.
gnomAD v4.1: 8 of 1,581,562 alleles (0.00051%); highest among the groups gnomAD compares: South Asian, 0.0012%; no homozygotes.

Submissions (2):

Ambry Genetics
Classification: Uncertain significance. Last evaluated: 2023-06-22. Review status: criteria provided, single submitter. Criteria: Ambry Variant Classification Scheme 2023. Collection method: clinical testing. Allele origin: germline.

Labcorp Genetics (formerly Invitae), Labcorp
Classification: Uncertain significance. Last evaluated: 2023-04-06. Review status: criteria provided, single submitter. Criteria: Invitae Variant Classification Sherloc (09022015). Collection method: clinical testing. Allele origin: germline.
Comment: This sequence change replaces glycine, which is neutral and non-polar, with valine, which is neutral and non-polar, at codon 535 of the GUF1 protein (p.Gly535Val). The frequency data for this variant in the population databases is considered unreliable, as metrics indicate poor data quality at this position in the gnomAD database. This variant has not been reported in the literature in individuals affected with GUF1-related conditions. Advanced modeling of protein sequence and biophysical properties (such as structural, functional, and spatial information, amino acid conservation, physicochemical variation, residue mobility, and thermodynamic stability) performed at Invitae indicates that this missense variant is expected to disrupt GUF1 protein function. Algorithms developed to predict the effect of sequence changes on RNA splicing suggest that this variant may disrupt the consensus splice site. In summary, the available evidence is currently insufficient to determine the role of this variant in disease. Therefore, it has been classified as a Variant of Uncertain Significance.